The following is an entry in ClinVar:

ClinVar aggregate classification (germline): Likely benign. Review status: criteria provided, multiple submitters, no conflicts (2 of 4 stars). 6 submissions from 6 submitters: Likely benign (5). 1 of the submissions does not count toward it. Last evaluated 2025-10-01.

Conditions:
USH1C-related disorder. Also called: USH1C-related condition.

Allele frequency attached by ClinVar (database versions not stated): gnomAD exomes 0.00015; ExAC 0.00019; TOPMed 0.00020; gnomAD 0.00021; ESP Exome Variant Server 0.00031.
gnomAD v4.1: 649 of 1,613,902 alleles (0.04%); highest among the groups gnomAD compares: Non-Finnish European, 0.054%; 1 homozygote.

Submissions (6):

CeGaT Center for Human Genetics Tuebingen
Classification: Likely benign. Last evaluated: 2025-10-01. Review status: criteria provided, single submitter. Criteria: CeGaT Center For Human Genetics Tuebingen Variant Classification Criteria Version 2. Collection method: clinical testing. Allele origin: germline. Affected: yes. Observed: 1 variant allele.
Comment: USH1C: BP4, BP7

Blueprint Genetics
Classification: Likely benign. Last evaluated: 2024-11-11. Review status: criteria provided, single submitter. Criteria: ACMG Guidelines, 2015. Collection method: clinical testing. Allele origin: germline.

Labcorp Genetics (formerly Invitae), Labcorp
Classification: Likely benign. Last evaluated: 2023-10-11. Review status: criteria provided, single submitter. Criteria: Invitae Variant Classification Sherloc (09022015). Collection method: clinical testing. Allele origin: germline.

GeneDx
Classification: Likely benign. Last evaluated: 2020-01-24. Review status: criteria provided, single submitter. Criteria: GeneDx Variant Classification Process June 2021. Collection method: clinical testing. Allele origin: germline. Affected: yes.

Laboratory for Molecular Medicine, Mass General Brigham Personalized Medicine
Classification: Likely benign. Last evaluated: 2012-04-30. Review status: criteria provided, single submitter. Criteria: LMM Criteria. Collection method: clinical testing. Allele origin: germline. Observed: 1 variant allele.
Comment: Gln462Gln in Exon 16 of USH1C: This variant is not expected to have clinical significance because it does not alter an amino acid residue, is not located within the splice consensus sequence, and has been identified in 0.1% (4/7020) of European American chromosomes from a broad population by the NHLBI Exome Sequencing Project (dbSNP rs141564204).

PreventionGenetics, part of Exact Sciences
Classification: Likely benign for USH1C-related condition. Last evaluated: 2019-08-28. Review status: no assertion criteria provided. Collection method: clinical testing. Allele origin: germline. Not counted in ClinVar's aggregate classification.
Comment: This variant is classified as likely benign based on ACMG/AMP sequence variant interpretation guidelines (Richards et al. 2015 PMID: 25741868, with internal and published modifications).

NM_153676.4(USH1C):c.1386G>A (p.Gln462=)

Gene: USH1C (USH1 protein network component harmonin; minus strand). Cytogenetic location: 11p15.1.
Variant type: single nucleotide variant.
Coding change: c.1386G>A on transcript NM_153676.4 (MANE Select); coding-DNA position 1386, G replaced by A.
Protein change: p.Gln462=; no amino-acid change (glutamine 462 retained).
Molecular consequence: synonymous variant. On other transcripts: intron variant (2).
Genome position (GRCh38, 1-based): chr11:17,511,929, C>T on the plus strand (G>A on the coding strand, the complement: USH1C is on the minus strand). VCF-style: chr11-17511929-C-T. GRCh37 (hg19) VCF-style: chr11-17533476-C-T.
Other names: c.1386G>A (NM_153676.3); c.1227+5472G>A (NM_001297764.2); c.1284+5472G>A (NM_005709.4).
Identifiers: ClinVar variation 711713 (VCV000711713.23), dbSNP rs141564204, ClinGen allele CA5904589.